The following is an entry in ClinVar:

ClinVar aggregate classification (germline): Likely pathogenic (1 of 4 stars; one submission).

Conditions:
Autosomal recessive limb-girdle muscular dystrophy. Identifiers: Orphanet 102015, MedGen C2931907, MONDO:0015152.

Submission:

Myriad Genetics, Inc.
Classification: Likely pathogenic for Autosomal recessive limb-girdle muscular dystrophy. Last evaluated: 2022-01-17. Review status: criteria provided, single submitter. Criteria: Myriad Autosomal Dominant, Autosomal Recessive and X-Linked Classification Criteria (2023). Collection method: clinical testing. Allele origin: unknown.
Comment: NM_003494.3(DYSF):c.3315delG(P1106Lfs*14) is expected to be pathogenic in the context of dysferlinopathy. This variant is predicted to lead to an abnormal or absent protein product due to the creation of a premature termination codon in DYSF, a gene where loss-of-function variants are known to be pathogenic. Please note: this variant was assessed in the context of healthy population screening.

NM_001130987.2(DYSF):c.3369del (p.Pro1124fs)

Gene: DYSF (dysferlin; plus strand). Cytogenetic location: 2p13.2.
Variant type: Deletion.
Coding change: c.3369del on transcript NM_001130987.2 (MANE Select); coding-DNA position 3369, one base deleted (G; older notation c.3369delG).
Protein change: p.Pro1124fs; shifts the reading frame from proline 1124.
Molecular consequence: frameshift variant.
Genome position (GRCh38, 1-based): chr2:71,574,338, G deleted; the last of 4 consecutive G bases (chr2:71,574,335-71,574,338); deleting any one gives the same sequence. VCF-style (leftmost placement, unchanged base first): chr2-71574334-CG-C. GRCh37 (hg19) VCF-style: chr2-71801464-CG-C.
Other names: c.3318del, p.Pro1107fs (NM_001130455.2, NM_001130983.2); c.3273del, p.Pro1092fs (NM_001130976.2, NM_001130977.2); c.3315del, p.Pro1106fs (NM_001130978.2, NM_003494.4); c.3408del, p.Pro1137fs (NM_001130979.2); c.3366del, p.Pro1123fs (NM_001130980.2, NM_001130981.2); c.3411del, p.Pro1138fs (NM_001130982.2); c.3276del, p.Pro1093fs (NM_001130984.2, NM_001130986.2); c.3369del, p.Pro1124fs (NM_001130985.2); short protein forms P1092fs, P1093fs, P1106fs, P1107fs, P1123fs, P1124fs, P1137fs, P1138fs.
Identifiers: ClinVar variation 1723974 (VCV001723974.3), dbSNP rs2545877072, ClinGen allele CA2580067867.